The following is an entry in ClinVar:

NM_000521.4(HEXB):c.1250C>T (p.Pro417Leu)

Gene: HEXB (hexosaminidase subunit beta; plus strand). Cytogenetic location: 5q13.3.
Variant type: single nucleotide variant.
Coding change: c.1250C>T on transcript NM_000521.4 (MANE Select); coding-DNA position 1250, C replaced by T.
Protein change: p.Pro417Leu; replaces proline 417 with leucine.
Molecular consequence: missense variant.
Genome position (GRCh38, 1-based): chr5:74,718,804, C>T. VCF-style: chr5-74718804-C-T. GRCh37 (hg19) VCF-style: chr5-74014629-C-T.
Other names: P405L; c.575C>T, p.Pro192Leu (NM_001292004.2); short protein forms P417L, P192L.
Identifiers: ClinVar variation 3878 (VCV000003878.74), dbSNP rs28942073, ClinGen allele CA116485.

ClinVar aggregate classification (germline): Pathogenic/Likely pathogenic. Review status: criteria provided, multiple submitters, no conflicts (2 of 4 stars). 27 submissions from 26 submitters: Pathogenic (23); Likely pathogenic (2). 2 of the submissions do not count toward it. Last evaluated 2026-09-23.

Conditions:
HEXB-related disorders.
HEXB-related disorder. Also called: HEXB-related condition.
Inborn genetic diseases. Identifiers: MedGen C0950123, MeSH D030342.
Sandhoff disease. Also called: GM2-GANGLIOSIDOSIS, TYPE II; HEXOSAMINIDASES A AND B DEFICIENCY; Beta-hexosaminidase-beta-subunit deficiency; GM2 gangliosidosis, type 2; Total hexosaminidase deficiency; Sandhoff-Jatzkewitz-Pilz disease. Identifiers: Orphanet 796, MedGen C0036161, MONDO:0010006, OMIM 268800.
Sandhoff disease, juvenile form. Also called: Sandhoff disease, juvenile type; Subacute Juvenile Sandhoff Disease. Identifiers: Orphanet 309162, MedGen C0751491, MONDO:0017722.
Sandhoff disease, adult form. Also called: Late-Onset Sandhoff Disease; Sandhoff disease, adult type. Identifiers: Orphanet 309169, MedGen C0751489, MONDO:0017723.

Allele frequency attached by ClinVar (database versions not stated): TOPMed 0.00046; gnomAD 0.00047 and 0.00046; 1000 Genomes Project 0.00060; 1000 Genomes Project 30x 0.00047; ExAC 0.00066; gnomAD exomes 0.00059 and 0.00081.
gnomAD v4.1: 1,254 of 1,614,018 alleles (0.078%); highest among the groups gnomAD compares: East Asian, 0.35%; 3 homozygotes.

Submissions 1 to 12 of 27:

PreventionGenetics, part of Exact Sciences
Classification: Pathogenic for HEXB-related condition. Last evaluated: 2026-09-23. Review status: criteria provided, single submitter. Criteria: ACMG Guidelines, 2015. Collection method: clinical testing. Allele origin: germline.
Comment: The HEXB c.1250C>T variant is predicted to result in the amino acid substitution p.Pro417Leu. This variant (also known to the literature as c.1214C>T, p.Pro405Leu) has been reported in homozygous and compound heterozygous state in several individuals with Sandhoff disease (Gomez-Lira et al. 1995. PubMedID: 7557963; Ahn et al. 2010. PubMedID: 21150067; Gort et al 2012. PubMed ID: 22789865; Wakamatsu et al. 1992. PubMed ID: 1531140; McInnes et al. 1992 Pubmed ID: 1386607). Functional studies showed that the c.1250C>T variant results in defective splicing (Wakamatsu et al. 1992. PubMed ID: 1531140; McInnes et al. 1992 Pubmed ID: 1386607). This variant is reported in 0.098% of alleles in individuals of European (non-Finnish) descent in gnomAD. This variant is interpreted as pathogenic.

CeGaT Center for Human Genetics Tuebingen
Classification: Pathogenic. Last evaluated: 2026-06-01. Review status: criteria provided, single submitter. Criteria: CeGaT Center For Human Genetics Tuebingen Variant Classification Criteria Version 2. Collection method: clinical testing. Allele origin: germline. Affected: yes. Observed: 3 variant alleles.
Comment: HEXB: PM3:Very Strong, PVS1, PM2

Labcorp Genetics (formerly Invitae), Labcorp
Classification: Pathogenic for Sandhoff disease. Last evaluated: 2026-01-28. Review status: criteria provided, single submitter. Criteria: Invitae Variant Classification Sherloc (09022015). Collection method: clinical testing. Allele origin: germline.
Comment: This sequence change replaces proline, which is neutral and non-polar, with leucine, which is neutral and non-polar, at codon 417 of the HEXB protein (p.Pro417Leu). RNA analysis indicates that this missense change induces altered splicing and may result in an absent or altered protein product. This variant is present in population databases (rs28942073, gnomAD 0.1%), and has an allele count higher than expected for a pathogenic variant. This missense change has been observed in individuals with Sandhoff disease (PMID: 1531140, 7557963, 21150067, 22789865, 24263030). It has also been observed to segregate with disease in related individuals. This variant is also known as Pro405Leu. ClinVar contains an entry for this variant (Variation ID: 3878). Invitae Evidence Modeling of protein sequence and biophysical properties (such as structural, functional, and spatial information, amino acid conservation, physicochemical variation, residue mobility, and thermodynamic stability) has been performed for this missense variant. However, the output from this modeling did not meet the statistical confidence thresholds required to predict the impact of this variant on HEXB protein function. Studies have shown that this missense change results in exon 11 skipping and the activation of a cryptic splice site, and produces a non-functional protein and/or introduces a premature termination codon (PMID: 1386607, 1531140). For these reasons, this variant has been classified as Pathogenic.

Dasa
Classification: Pathogenic. Last evaluated: 2026-01-02. Review status: criteria provided, single submitter. Criteria: DASA Assertion Criteria. Collection method: clinical testing. Allele origin: germline.
Comment: NM_000521.4(HEXB):c.1250C>T (p.Pro417Leu) results in a proline-to-leucine substitution. Functional studies demonstrate abnormal splicing with production of a non-functional protein (PMID: 1386607, 1531140). The variant has been reported in individuals with Sandhoff disease in trans with another pathogenic variant and is present at low frequency in population datasets. Based on the available data, this variant is classified as pathogenic.

Natera, Inc.
Classification: Pathogenic for Sandhoff disease. Last evaluated: 2025-08-14. Review status: criteria provided, single submitter. Criteria: Natera Variant Classification Schema (03/2026). Collection method: clinical testing. Allele origin: germline.
Comment: The c.1250C>T variant in HEXB is a missense variant predicted to cause substitution of proline to leucine at amino acid 417. This variant is rare in the general population with a frequency below the threshold expected for the associated phenotype(s). This variant has been observed in one or more individuals affected with the associated recessive disease, as either homozygous or compound heterozygous with a second variant (PMID: 22789865, 7557963, 26769462). Computational prediction algorithms indicate this variant is likely to affect gene or protein function. Given the available evidence, this variant is classified as Pathogenic.

Revvity Omics, Revvity
Classification: Likely pathogenic for Sandhoff disease. Last evaluated: 2025-04-10. Review status: criteria provided, single submitter. Criteria: ACMG Guidelines, 2015. Collection method: clinical testing. Allele origin: germline.

First Genomix Gene Laboratory, Genetic Diagnostics Department
Classification: Pathogenic for Sandhoff disease. Last evaluated: 2025-03-18. Review status: criteria provided, single submitter. Criteria: ACMG Guidelines, 2015. Collection method: clinical testing. Allele origin: germline. Inheritance: Autosomal recessive inheritance. Affected: no. Observed: 1 variant allele.

Laboratory of Genetics, Children's Clinical University Hospital Latvia
Classification: Pathogenic. Last evaluated: 2025-02-16. Review status: criteria provided, single submitter. Criteria: ACMG Guidelines, 2015. Collection method: clinical testing. Allele origin: germline. Affected: yes.

Blueprint Genetics
Classification: Pathogenic for HEXB-related disorders. Last evaluated: 2024-11-05. Review status: criteria provided, single submitter. Criteria: ACMG Guidelines, 2015. Collection method: clinical testing. Allele origin: germline. Affected: yes. Observed: 5 variant alleles.

Victorian Clinical Genetics Services, Murdoch Childrens Research Institute
Classification: Pathogenic for Sandhoff disease. Last evaluated: 2024-10-09. Review status: criteria provided, single submitter. Criteria: ACMG Guidelines, 2015. Collection method: clinical testing. Allele origin: germline. Inheritance: Autosomal recessive inheritance. Affected: yes.
Comment: Based on the classification scheme VCGS_Germline_v1.3.4, this variant is classified as Pathogenic. Following criteria are met: 0102 - Loss of function is a known mechanism of disease in this gene and is associated with Sandhoff disease, infantile, juvenile, and adult forms (MIM#268800). (I) 0106 - This gene is associated with autosomal recessive disease. (I) 0210 - Splice site variant proven to affect splicing of the transcript with a known effect on protein sequence. Splice variant proven to affect splicing of the transcript by RNA studies, resulting in two protein products (p.(Leu415Ilefs*1, p.(Leu415Valfs*56)) (PMID: 1531140). (SP) 0251 - This variant is heterozygous. (I) 0304 - Variant is present in gnomAD (v2) <0.01 for a recessive condition (159 heterozygotes, 0 homozygotes). (SP) 0701 - Other NMD predicted variants comparable to the one identified in this case have very strong previous evidence for pathogenicity (ClinVar, PMID: 29448188). (SP) 0801 - This variant has strong previous evidence of pathogenicity in unrelated individuals with Sandhoff disease (ClinVar, PMID: 1531140, 29448188). (I) Legend: (SP) - Supporting pathogenic, (I) - Information, (SB) - Supporting benign

Genetic Services Laboratory, University of Chicago
Classification: Pathogenic. Last evaluated: 2024-09-16. Review status: criteria provided, single submitter. Criteria: ACMG Guidelines, 2015. Collection method: clinical testing. Allele origin: germline. Affected: yes.
Comment: DNA sequence analysis of the HEXB gene demonstrated a sequence change, c.1250C>T, in exon 11 that results in an amino acid change, p.Pro417Leu. The p.Pro417Leu change affects a moderately conserved amino acid residue located in a domain of the HEXB protein that is known to be functional. In-silico pathogenicity prediction tools (SIFT, PolyPhen2, Align GVGD, REVEL) provide contradictory results for the p.Pro417Leu substitution. This sequence change has previously been described in multiple individuals with Sandhoff disease in both homozygous state and compound heterozygous state with other HEXB variants (PMID: 23127958, 1531140, 7557963, 21150067, 22789865, 24263030). Functional studies have demonstrated that this variant results in defective splicing (PMID: 1531140, 1386607). This sequence change has been described in the gnomAD database with a frequency of 0.086% in the European subpopulation (dbSNP rs28942073). Collectively, this evidence indicates that this sequence change is pathogenic.

Mayo Clinic Laboratories, Mayo Clinic
Classification: Pathogenic. Last evaluated: 2024-03-04. Review status: criteria provided, single submitter. Criteria: ACMG Guidelines, 2015. Collection method: clinical testing. Allele origin: germline. Observed: 1 variant allele.
Comment: PP1, PP4, PM3_strong, PS3